The following is an entry in ClinVar:

ClinVar aggregate classification (germline): Uncertain significance (1 of 4 stars; one submission).

gnomAD v4.1: 30 of 1,613,940 alleles (0.0019%); highest among the groups gnomAD compares: East Asian, 0.0045%; no homozygotes.

Submission:

Labcorp Genetics (formerly Invitae), Labcorp
Classification: Uncertain significance. Last evaluated: 2025-11-03. Review status: criteria provided, single submitter. Criteria: Invitae Variant Classification Sherloc (09022015). Collection method: clinical testing. Allele origin: germline.
Comment: This sequence change replaces valine, which is neutral and non-polar, with isoleucine, which is neutral and non-polar, at codon 21 of the MED20 protein (p.Val21Ile). This variant is present in population databases (rs765965809, gnomAD 0.006%). This variant has not been reported in the literature in individuals affected with MED20-related conditions. ClinVar contains an entry for this variant (Variation ID: 3627875). An algorithm developed to predict the effect of missense changes on protein structure and function (PolyPhen-2) suggests that this variant is likely to be tolerated. In summary, the available evidence is currently insufficient to determine the role of this variant in disease. Therefore, it has been classified as a Variant of Uncertain Significance.

NM_004275.5(MED20):c.61G>A (p.Val21Ile)

Genes: BYSL (bystin like; plus strand), MED20 (mediator complex subunit 20; minus strand), LOC126859675 (MED14-independent group 3 enhancer GRCh37_chr6:41884515-41885714; plus strand). Cytogenetic location: 6p21.1.
Variant type: single nucleotide variant.
Coding change: c.61G>A on transcript NM_004275.5 (MANE Select); coding-DNA position 61, G replaced by A.
Protein change: p.Val21Ile; replaces valine 21 with isoleucine.
Molecular consequence: missense variant. On other transcripts: 5 prime UTR variant (1), non-coding transcript variant (1), intron variant (1).
Genome position (GRCh38, 1-based): chr6:41,916,893, C>T on the plus strand (G>A on the coding strand, the complement: MED20 is on the minus strand). VCF-style: chr6-41916893-C-T. GRCh37 (hg19) VCF-style: chr6-41884631-C-T.
Other names: c.-242G>A (NM_001305456.2); c.61G>A, p.Val21Ile (NM_001305457.2); c.-18+4112G>A (NM_001305455.2); short protein forms V21I.
Identifiers: ClinVar variation 3627875 (VCV003627875.2).